The following is an entry in ClinVar:

ClinVar aggregate classification (germline): Likely pathogenic (0 of 4 stars; one submission).

Conditions:
COL11A2-related disorder. Also called: COL11A2-related condition; COL11A2-related disorders.

Submission:

PreventionGenetics, part of Exact Sciences
Classification: Likely pathogenic for COL11A2-related condition. Last evaluated: 2024-08-06. Review status: no assertion criteria provided. Collection method: clinical testing. Allele origin: germline.
Comment: The COL11A2 c.2405G>T variant is predicted to result in the amino acid substitution p.Gly802Val. To our knowledge, this variant has not been reported in the literature or in a large population database, indicating this variant is rare. The p.Gly802 amino acid is located in the conserved Gly-Xaa-Yaa triple helical domain where substitutions of a glycine are usually pathogenic (Vuristo et al. 1995. PubMed ID: 7559422; Chen et al. 2005. PubMed ID: 16033917). This variant is interpreted as likely pathogenic.

NM_080680.3(COL11A2):c.2405G>T (p.Gly802Val)

Gene: COL11A2 (collagen type XI alpha 2 chain; minus strand). Cytogenetic location: 6p21.32.
Variant type: single nucleotide variant.
Coding change: c.2405G>T on transcript NM_080680.3 (MANE Select); coding-DNA position 2405, G replaced by T.
Protein change: p.Gly802Val; replaces glycine 802 with valine.
Molecular consequence: missense variant.
Genome position (GRCh38, 1-based): chr6:33,174,552, C>A on the plus strand (G>T on the coding strand, the complement: COL11A2 is on the minus strand). VCF-style: chr6-33174552-C-A. GRCh37 (hg19) VCF-style: chr6-33142329-C-A.
Other names: c.2225G>T, p.Gly742Val (NM_001424108.1); c.1559G>T, p.Gly520Val (NM_001424109.1); c.1379G>T, p.Gly460Val (NM_001424110.1, NM_001424111.1); c.359G>T, p.Gly120Val (NM_001424112.1); c.2084G>T, p.Gly695Val (NM_080679.3); c.2147G>T, p.Gly716Val (NM_080681.3); short protein forms G120V, G460V, G520V, G695V, G716V, G742V, G802V.
Identifiers: ClinVar variation 3345863 (VCV003345863.1).